The following is an entry in ClinVar:

ClinVar aggregate classification (germline): Uncertain significance (1 of 4 stars; one submission).

Conditions:
Joubert syndrome. Also called: CEREBELLOPARENCHYMAL DISORDER IV; JOUBERT-BOLTSHAUSER SYNDROME; Familial aplasia of the vermis. Identifiers: Orphanet 475, MedGen C5979921, MONDO:0018772.

Submission:

Labcorp Genetics (formerly Invitae), Labcorp
Classification: Uncertain significance for Joubert syndrome. Last evaluated: 2022-03-10. Review status: criteria provided, single submitter. Criteria: Invitae Variant Classification Sherloc (09022015). Collection method: clinical testing. Allele origin: germline.
Comment: In summary, the available evidence is currently insufficient to determine the role of this variant in disease. Therefore, it has been classified as a Variant of Uncertain Significance. Algorithms developed to predict the effect of sequence changes on RNA splicing suggest that this variant may disrupt the consensus splice site. This variant has not been reported in the literature in individuals affected with INPP5E-related conditions. This variant is not present in population databases (gnomAD no frequency). This sequence change falls in intron 4 of the INPP5E gene. It does not directly change the encoded amino acid sequence of the INPP5E protein.

NM_019892.6(INPP5E):c.1159+7_1159+8insGGTGGGCGTGGCTGGAGGGGTGGGCGCGGCTGAAGG

Gene: INPP5E (inositol polyphosphate-5-phosphatase E; minus strand). Cytogenetic location: 9q34.3.
Variant type: Insertion.
Coding change: c.1159+7_1159+8insGGTGGGCGTGGCTGGAGGGGTGGGCGCGGCTGAAGG on transcript NM_019892.6 (MANE Select); bases 7 to 8 of the intron after coding-DNA position 1159, GGTGGGCGTGGCTGGAGGGGTGGGCGCGGCTGAAGG inserted.
Molecular consequence: splice donor variant.
Genome position: GRCh38: chr9:136,433,155-136,433,156. GRCh37 (hg19): chr9:139,327,607-139,327,608.
Other names: c.1159+7_1159+8insGGTGGGCGTGGCTGGAGGGGTGGGCGCGGCTGAAGG (NM_001318502.2).
Identifiers: ClinVar variation 1408203 (VCV001408203.8), dbSNP rs71269007, ClinGen allele CA2573144379.
Genomic context (GRCh38, chr9:136,433,147, plus strand): 5'-GCAGCCCTCAGCTCACCTGTGGGACGCTGCCACCTTCCAGCCGCGCCCACCCCTCCAGCC[G>GCGCCCACCCCTTCAGCCGCGCCCACCCCTCCAGCCA]CGCCCACCTGAGCAGAACCAGATGAGGTCCCTGCGGATGAAGAGCGACATGTAGAGCACG-3'